The following is an entry in ClinVar:

NM_000051.4(ATM):c.8674G>T (p.Val2892Phe)

Genes: ATM (ATM serine/threonine kinase; plus strand), C11orf65 (chromosome 11 open reading frame 65; minus strand). Cytogenetic location: 11q22.3.
Variant type: single nucleotide variant.
Coding change: c.8674G>T on transcript NM_000051.4 (MANE Select); coding-DNA position 8674, G replaced by T.
Protein change: p.Val2892Phe; replaces valine 2892 with phenylalanine.
Molecular consequence: missense variant. On other transcripts: intron variant (2).
Genome position (GRCh38, 1-based): chr11:108,353,768, G>T. VCF-style: chr11-108353768-G-T. GRCh37 (hg19) VCF-style: chr11-108224495-G-T.
Other names: c.8674G>T, p.Val2892Phe (NM_001351834.2); c.640+32152C>A (NM_001330368.2); c.695-18476C>A (NM_001351110.2); short protein forms V2892F.
Identifiers: ClinVar variation 822644 (VCV000822644.6), dbSNP rs1064793425, ClinGen allele CA382523448.

ClinVar aggregate classification (germline): Uncertain significance (1 of 4 stars; one submission).

Conditions:
Hereditary cancer-predisposing syndrome. Also called: Tumor predisposition; Neoplastic Syndromes, Hereditary; Hereditary Cancer Syndrome; Hereditary neoplastic syndrome. Identifiers: Orphanet 140162, MedGen C0027672, MeSH D009386, MONDO:0015356.

Submission:

Ambry Genetics
Classification: Uncertain significance for Hereditary cancer-predisposing syndrome. Last evaluated: 2019-09-13. Review status: criteria provided, single submitter. Criteria: Ambry Variant Classification Scheme 2023. Collection method: clinical testing. Allele origin: germline.
Comment: The p.V2892F variant (also known as c.8674G>T), located in coding exon 59 of the ATM gene, results from a G to T substitution at nucleotide position 8674. The valine at codon 2892 is replaced by phenylalanine, an amino acid with highly similar properties. This amino acid position is highly conserved in available vertebrate species. In addition, this alteration is predicted to be deleterious by in silico analysis. Since supporting evidence is limited at this time, the clinical significance of this alteration remains unclear.